The following is an entry in ClinVar:

ClinVar aggregate classification (germline): Likely benign. Review status: criteria provided, multiple submitters, no conflicts (2 of 4 stars). 2 submissions from 2 submitters: Likely benign (2). Last evaluated 2026-10-01.

gnomAD v4.1: 2 of 1,614,050 alleles (0.00012%); highest among the groups gnomAD compares: African/African-American, 0.0027%; no homozygotes.

Submissions (2):

CeGaT Center for Human Genetics Tuebingen
Classification: Likely benign. Last evaluated: 2026-10-01. Review status: criteria provided, single submitter. Criteria: CeGaT Center For Human Genetics Tuebingen Variant Classification Criteria Version 2. Collection method: clinical testing. Allele origin: germline. Affected: yes. Observed: 1 variant allele.
Comment: CPAP: BP4, BP7

Labcorp Genetics (formerly Invitae), Labcorp
Classification: Likely benign. Last evaluated: 2024-10-12. Review status: criteria provided, single submitter. Criteria: Invitae Variant Classification Sherloc (09022015). Collection method: clinical testing. Allele origin: germline.

NM_018451.5(CPAP):c.3807A>T (p.Thr1269=)

Genes: CPAP (centrosome assembly and centriole elongation protein; minus strand), RNF17 (ring finger protein 17; plus strand). Cytogenetic location: 13q12.12.
Variant type: single nucleotide variant.
Coding change: c.3807A>T on transcript NM_018451.5 (MANE Select); coding-DNA position 3807, A replaced by T.
Protein change: p.Thr1269=; no amino-acid change (threonine 1269 retained).
Molecular consequence: synonymous variant. On other transcripts: non-coding transcript variant (2).
Genome position (GRCh38, 1-based): chr13:24,883,980, T>A on the plus strand (A>T on the coding strand, the complement: CPAP is on the minus strand). VCF-style: chr13-24883980-T-A. GRCh37 (hg19) VCF-style: chr13-25458118-T-A.
Identifiers: ClinVar variation 3620152 (VCV003620152.3).